The following is an entry in ClinVar:

ClinVar aggregate classification (germline): Uncertain significance (1 of 4 stars; one submission).

gnomAD v4.1: 1 of 1,610,576 alleles (0.000062%); highest among the groups gnomAD compares: South Asian, 0.0011%; no homozygotes.

Submission:

Labcorp Genetics (formerly Invitae), Labcorp
Classification: Uncertain significance. Last evaluated: 2022-08-22. Review status: criteria provided, single submitter. Criteria: Invitae Variant Classification Sherloc (09022015). Collection method: clinical testing. Allele origin: germline.
Comment: In summary, the available evidence is currently insufficient to determine the role of this variant in disease. Therefore, it has been classified as a Variant of Uncertain Significance. The frequency data for this variant in the population databases is considered unreliable, as metrics indicate poor data quality at this position in the gnomAD database. Algorithms developed to predict the effect of missense changes on protein structure and function (SIFT, PolyPhen-2, Align-GVGD) all suggest that this variant is likely to be tolerated. This variant has not been reported in the literature in individuals affected with ITPR1-related conditions. This sequence change replaces aspartic acid, which is acidic and polar, with glycine, which is neutral and non-polar, at codon 2128 of the ITPR1 protein (p.Asp2128Gly).

NM_001378452.1(ITPR1):c.6572A>G (p.Asp2191Gly)

Gene: ITPR1 (inositol 1,4,5-trisphosphate receptor type 1; plus strand). Cytogenetic location: 3p26.1.
Variant type: single nucleotide variant.
Coding change: c.6572A>G on transcript NM_001378452.1 (MANE Select); coding-DNA position 6572, A replaced by G.
Protein change: p.Asp2191Gly; replaces aspartic acid 2191 with glycine.
Molecular consequence: missense variant.
Genome position (GRCh38, 1-based): chr3:4,783,877, A>G. VCF-style: chr3-4783877-A-G. GRCh37 (hg19) VCF-style: chr3-4825561-A-G.
Other names: c.6428A>G, p.Asp2143Gly (NM_001099952.4); c.6527A>G, p.Asp2176Gly (NM_001168272.2); c.6383A>G, p.Asp2128Gly (NM_002222.7); short protein forms D2128G, D2143G, D2176G, D2191G.
Identifiers: ClinVar variation 1717799 (VCV001717799.5), dbSNP rs1200988191, ClinGen allele CA351640065.